The following is an entry in ClinVar:

ClinVar aggregate classification (germline): Uncertain significance (1 of 4 stars; one submission).

Conditions:
Renal tubular acidosis with progressive nerve deafness. Also called: renal tubular acidosis, distal, 2, with progressive sensorineural hearing loss; Distal Renal Tubular Acidosis with Progressive Sensorineural Deafness; RENAL TUBULAR ACIDOSIS, AUTOSOMAL RECESSIVE, WITH PROGRESSIVE NERVE DEAFNESS; RTA WITH PROGRESSIVE NERVE DEAFNESS. Identifiers: MedGen C0403554, MONDO:0009968, OMIM 267300.

Submission:

Juno Genomics, Hangzhou Juno Genomics, Inc
Classification: Uncertain significance for Renal tubular acidosis with progressive nerve deafness. Review status: criteria provided, single submitter. Criteria: ACMG Guidelines, 2015. Collection method: clinical testing. Allele origin: germline.
Comment: Absent from controls (or at extremely low frequency if recessive) in Genome Aggregation Database.;Multiple lines of computational evidence support a deleterious effect on the gene or gene product.

NM_001692.4(ATP6V1B1):c.827C>T (p.Ala276Val)

Gene: ATP6V1B1 (ATPase H+ transporting V1 subunit B1; plus strand). Cytogenetic location: 2p13.3.
Variant type: single nucleotide variant.
Coding change: c.827C>T on transcript NM_001692.4 (MANE Select); coding-DNA position 827, C replaced by T.
Protein change: p.Ala276Val; replaces alanine 276 with valine.
Molecular consequence: missense variant.
Genome position (GRCh38, 1-based): chr2:70,962,818, C>T. VCF-style: chr2-70962818-C-T. GRCh37 (hg19) VCF-style: chr2-71189948-C-T.
Other names: short protein forms A276V.
Identifiers: ClinVar variation 5006321 (VCV005006321.2).
Genomic context (GRCh38, chr2:70,962,818, plus strand): 5'-CACCTGGCTACACCTCCAGGATCGAGCGGATCATCACCCCGCGCCTGGCGCTGACCACTG[C>T]TGAATTCCTTGCCTACCAGTGTGAGAAGCATGTGCTGGTCATACTGACGGACATGAGTTC-3'
Protein context (NP_001683.2, residues 266-286): IITPRLALTT[Ala276Val]EFLAYQCEKH